The following is an entry in ClinVar:

NM_177550.5(SLC13A5):c.1501dup (p.Ala501fs)

Gene: SLC13A5 (solute carrier family 13 member 5; minus strand). Cytogenetic location: 17p13.1.
Variant type: Duplication.
Coding change: c.1501dup on transcript NM_177550.5 (MANE Select); coding-DNA position 1501, one base duplicated (G; older notation c.1501dupG).
Protein change: p.Ala501fs; shifts the reading frame from alanine 501.
Molecular consequence: frameshift variant. On other transcripts: intron variant (1).
Genome position (GRCh38, 1-based): chr17:6,687,603, C duplicated on the plus strand (G on the coding strand, the reverse complement: SLC13A5 is on the minus strand). VCF-style (leftmost placement, unchanged base first): chr17-6687602-G-GC. GRCh37 (hg19) VCF-style: chr17-6590921-G-GC.
Other names: c.1450dup, p.Ala484fs (NM_001284509.2); c.1372dup, p.Ala458fs (NM_001284510.2); c.1438-1265dup (NM_001143838.3); short protein forms A458fs, A484fs, A501fs.
Identifiers: ClinVar variation 4810070 (VCV004810070.1).

ClinVar aggregate classification (germline): Pathogenic (1 of 4 stars; one submission).

Conditions:
Developmental and epileptic encephalopathy, 25 (DEE25). Also called: Epileptic encephalopathy, early infantile, 25; Developmental and epileptic encephalopathy 25, with amelogenesis imperfecta; Epileptic encephalopathy, early infantile, 25, with amelogenesis imperfecta. Identifiers: Orphanet 442835, MedGen C4014621, MONDO:0014392, OMIM 615905.

Submission:

Labcorp Genetics (formerly Invitae), Labcorp
Classification: Pathogenic for Developmental and epileptic encephalopathy, 25. Last evaluated: 2025-03-20. Review status: criteria provided, single submitter. Criteria: Invitae Variant Classification Sherloc (09022015). Collection method: clinical testing. Allele origin: germline.
Comment: This sequence change creates a premature translational stop signal (p.Ala501Glyfs*24) in the SLC13A5 gene. While this is not anticipated to result in nonsense mediated decay, it is expected to disrupt the last 68 amino acid(s) of the SLC13A5 protein. This variant is not present in population databases (gnomAD no frequency). This variant has not been reported in the literature in individuals affected with SLC13A5-related conditions. Algorithms developed to predict the effect of sequence changes on RNA splicing suggest that this variant may disrupt the consensus splice site. This variant disrupts a region of the SLC13A5 protein in which other variant(s) (p.Pro505Leu) have been determined to be pathogenic (PMID: 31780880; internal data). This suggests that this is a clinically significant region of the protein, and that variants that disrupt it are likely to be disease-causing. For these reasons, this variant has been classified as Pathogenic.

Literature cited by the submitters: PubMed 31780880.